The following is an entry in ClinVar:

NM_001080449.3(DNA2):c.3007G>T (p.Ala1003Ser)

Gene: DNA2 (DNA replication helicase/nuclease 2; minus strand). Cytogenetic location: 10q21.3.
Variant type: single nucleotide variant.
Coding change: c.3007G>T on transcript NM_001080449.3 (MANE Select); coding-DNA position 3007, G replaced by T.
Protein change: p.Ala1003Ser; replaces alanine 1003 with serine.
Molecular consequence: missense variant. On other transcripts: non-coding transcript variant (1).
Genome position (GRCh38, 1-based): chr10:68,416,816, C>A on the plus strand (G>T on the coding strand, the complement: DNA2 is on the minus strand). VCF-style: chr10-68416816-C-A. GRCh37 (hg19) VCF-style: chr10-70176573-C-A.
Other names: c.3007G>T (NM_001080449.2); short protein forms A1003S.
Identifiers: ClinVar variation 1917140 (VCV001917140.6), dbSNP rs773180410, ClinGen allele CA5524683.

ClinVar aggregate classification (germline): Uncertain significance. Review status: criteria provided, multiple submitters, no conflicts (2 of 4 stars). 2 submissions from 2 submitters: Uncertain significance (2). Last evaluated 2025-06-07.

Conditions:
Inborn genetic diseases. Identifiers: MedGen C0950123, MeSH D030342.

Allele frequency attached by ClinVar (database versions not stated): gnomAD exomes below 0.00001; TOPMed below 0.00001; ExAC 0.00001; gnomAD 0.00001.
gnomAD v4.1: 8 of 1,613,116 alleles (0.0005%); highest among the groups gnomAD compares: East Asian, 0.0045%; no homozygotes.

Submissions (2):

Ambry Genetics
Classification: Uncertain significance for Inborn genetic diseases. Last evaluated: 2025-06-07. Review status: criteria provided, single submitter. Criteria: Ambry Variant Classification Scheme 2023. Collection method: clinical testing. Allele origin: germline.

Labcorp Genetics (formerly Invitae), Labcorp
Classification: Uncertain significance. Last evaluated: 2024-10-24. Review status: criteria provided, single submitter. Criteria: Invitae Variant Classification Sherloc (09022015). Collection method: clinical testing. Allele origin: germline.
Comment: This sequence change replaces alanine, which is neutral and non-polar, with serine, which is neutral and polar, at codon 1003 of the DNA2 protein (p.Ala1003Ser). This variant is present in population databases (rs773180410, gnomAD 0.006%). This variant has not been reported in the literature in individuals affected with DNA2-related conditions. ClinVar contains an entry for this variant (Variation ID: 1917140). Invitae Evidence Modeling of protein sequence and biophysical properties (such as structural, functional, and spatial information, amino acid conservation, physicochemical variation, residue mobility, and thermodynamic stability) indicates that this missense variant is not expected to disrupt DNA2 protein function with a negative predictive value of 80%. In summary, the available evidence is currently insufficient to determine the role of this variant in disease. Therefore, it has been classified as a Variant of Uncertain Significance.